The following is an entry in ClinVar:

ClinVar aggregate classification (germline): Uncertain significance (0 of 4 stars; one submission).

Conditions:
Congenital muscular hypertrophy-cerebral syndrome (CDLS2). Also called: Cornelia de Lange syndrome 2; SMC1A-Related Cornelia de Lange Syndrome. Identifiers: Orphanet 199, MedGen C1802395, MONDO:0010370, OMIM 300590.

Submission:

Clinical Genomics Laboratory, Stanford Medicine
Classification: Uncertain significance for Congenital muscular hypertrophy-cerebral syndrome. Last evaluated: 2020-02-11. Review status: no assertion criteria provided. Collection method: clinical testing. Allele origin: germline. Inheritance: X-linked inheritance. Affected: yes.
Comment: The p.Arg412Gln variant in the SMC1A gene has not been previously reported in association with disease, and was absent from large population databases, including the Genome Aggregation Database. The SMC1A gene has fewer missense variants in the general population than expected. A low rate of missense variation may suggest that this gene is intolerant to missense variation. These data were assessed using the ACMG/AMP variant interpretation guidelines. In summary, the significance of the p.Arg412Gln variant is uncertain. Additional information is needed to resolve the significance of this variant. [ACMG evidence codes used: PM2; PP2]

NM_006306.4(SMC1A):c.1235G>A (p.Arg412Gln)

Gene: SMC1A (structural maintenance of chromosomes 1A; minus strand). Cytogenetic location: Xp11.22.
Variant type: single nucleotide variant.
Coding change: c.1235G>A on transcript NM_006306.4 (MANE Select); coding-DNA position 1235, G replaced by A.
Protein change: p.Arg412Gln; replaces arginine 412 with glutamine.
Molecular consequence: missense variant.
Genome position (GRCh38, 1-based): chrX:53,411,780, C>T on the plus strand (G>A on the coding strand, the complement: SMC1A is on the minus strand). VCF-style: chrX-53411780-C-T. GRCh37 (hg19) VCF-style: chrX-53438730-C-T.
Other names: c.1169G>A, p.Arg390Gln (NM_001281463.1); short protein forms R390Q, R412Q.
Identifiers: ClinVar variation 976786 (VCV000976786.1), dbSNP rs781890390, ClinGen allele CA413256445.